The following is an entry in ClinVar:

ClinVar aggregate classification (germline): Uncertain significance (1 of 4 stars; one submission).

Submission:

Ambry Genetics
Classification: Uncertain significance. Last evaluated: 2021-08-22. Review status: criteria provided, single submitter. Criteria: Ambry Variant Classification Scheme 2023. Collection method: clinical testing. Allele origin: germline.
Comment: The p.D81G variant (also known as c.242A>G), located in coding exon 4 of the BUB1 gene, results from an A to G substitution at nucleotide position 242. The aspartic acid at codon 81 is replaced by glycine, an amino acid with similar properties. This amino acid position is conserved. In addition, the in silico prediction for this alteration is inconclusive. Since supporting evidence is limited at this time, the clinical significance of this alteration remains unclear.

NM_004336.5(BUB1):c.242A>G (p.Asp81Gly)

Gene: BUB1 (BUB1 mitotic checkpoint serine/threonine kinase; minus strand). Cytogenetic location: 2q13.
Variant type: single nucleotide variant.
Coding change: c.242A>G on transcript NM_004336.5 (MANE Select); coding-DNA position 242, A replaced by G.
Protein change: p.Asp81Gly; replaces aspartic acid 81 with glycine.
Molecular consequence: missense variant.
Genome position (GRCh38, 1-based): chr2:110,672,841, T>C on the plus strand (A>G on the coding strand, the complement: BUB1 is on the minus strand). VCF-style: chr2-110672841-T-C. GRCh37 (hg19) VCF-style: chr2-111430418-T-C.
Other names: c.182A>G, p.Asp61Gly (NM_001278616.2); c.242A>G, p.Asp81Gly (NM_001278617.2); short protein forms D81G, D61G.
Identifiers: ClinVar variation 1791138 (VCV001791138.2), dbSNP rs2468036167, ClinGen allele CA348220720.